The following is an entry in ClinVar:

NM_004100.5(EYA4):c.1751G>T (p.Cys584Phe)

Genes: TARID (TCF21 antisense RNA inducing promoter demethylation; minus strand), EYA4 (EYA transcriptional coactivator and phosphatase 4; plus strand). Cytogenetic location: 6q23.2.
Variant type: single nucleotide variant.
Coding change: c.1751G>T on transcript NM_004100.5 (MANE Select); coding-DNA position 1751, G replaced by T.
Protein change: p.Cys584Phe; replaces cysteine 584 with phenylalanine.
Molecular consequence: missense variant. On other transcripts: intron variant (3).
Genome position (GRCh38, 1-based): chr6:133,525,166, G>T. VCF-style: chr6-133525166-G-T. GRCh37 (hg19) VCF-style: chr6-133846304-G-T.
Other names: c.1769G>T, p.Cys590Phe (NM_001301013.2); c.1607G>T, p.Cys536Phe (NM_001370459.1); c.1682G>T, p.Cys561Phe (NM_172103.4); c.1839+51G>T (NM_172105.4); c.1770+51G>T (NM_001370458.1); c.1677+51G>T (NM_001301012.2); short protein forms C536F, C561F, C584F, C590F.
Identifiers: ClinVar variation 4686278 (VCV004686278.1).

ClinVar aggregate classification (germline): Uncertain significance (1 of 4 stars; one submission).

gnomAD v4.1: 1 of 1,613,738 alleles (0.000062%); highest among the groups gnomAD compares: Non-Finnish European, 0.000085%; no homozygotes.

Submission:

GeneDx
Classification: Uncertain significance. Last evaluated: 2025-07-17. Review status: criteria provided, single submitter. Criteria: GeneDx Variant Classification Process June 2021. Collection method: clinical testing. Allele origin: germline. Affected: yes.
Comment: Not observed at significant frequency in large population cohorts (gnomAD); In silico analysis supports that this missense variant has a deleterious effect on protein structure/function; Has not been previously published as pathogenic or benign to our knowledge